The following is an entry in ClinVar:

NM_001267550.2(TTN):c.33827-8C>T

Gene: TTN (titin; minus strand). Cytogenetic location: 2q31.2.
Variant type: single nucleotide variant.
Coding change: c.33827-8C>T on transcript NM_001267550.2 (MANE Select); 8 bases into the intron before coding-DNA position 33827, C replaced by T.
Molecular consequence: intron variant.
Genome position (GRCh38, 1-based): chr2:178,678,505, G>A on the plus strand (C>T on the coding strand, the complement: TTN is on the minus strand). VCF-style: chr2-178678505-G-A. GRCh37 (hg19) VCF-style: chr2-179543232-G-A.
Other names: c.13283-36188C>T (NM_003319.4); c.13859-36188C>T (NM_133437.4); c.13658-36188C>T (NM_133432.3); c.30095-8C>T (NM_133378.4); c.32876-8C>T (NM_001256850.1).
Identifiers: ClinVar variation 46893 (VCV000046893.26), dbSNP rs371318311, ClinGen allele CA139448.

ClinVar aggregate classification (germline): Conflicting classifications of pathogenicity. Review status: criteria provided, conflicting classifications (1 of 4 stars). 8 submissions from 8 submitters: Uncertain significance (2); Benign (3); Likely benign (2). 1 of the submissions does not count toward it. Last evaluated 2026-01-20.

Conditions:
TTN-related disorder. Also called: TTN-related disease; TTN-related disorders; TTN-related condition.
Dilated cardiomyopathy 1G (CMD1G). Identifiers: Orphanet 154, MedGen C1858763, MONDO:0011400, OMIM 604145.
Autosomal recessive limb-girdle muscular dystrophy type 2J (LGMDR10). Also called: Limb-girdle muscular dystrophy, type 2J; MUSCULAR DYSTROPHY, LIMB-GIRDLE, AUTOSOMAL RECESSIVE 10. Identifiers: Orphanet 140922, MedGen C1837342, MONDO:0012127, OMIM 608807.
Cardiomyopathy (CMYO). Also called: Cardiomyopathies. Identifiers: Orphanet 167848, MedGen C0878544, MONDO:0004994, HP:0001638. Inheritance: Various modes of inheritance.

Allele frequency attached by ClinVar (database versions not stated): gnomAD exomes 0.00005 and 0.00012; 1000 Genomes Project 30x 0.00016; ExAC 0.00026; ESP Exome Variant Server 0.00042; gnomAD 0.00046 and 0.00051; TOPMed 0.00048.
gnomAD v4.1: 136 of 1,557,040 alleles (0.0087%); highest among the groups gnomAD compares: African/African-American, 0.15%; no homozygotes.

Submissions (8):

Women's Health and Genetics/Laboratory Corporation of America, LabCorp
Classification: Benign. Last evaluated: 2026-01-20. Review status: criteria provided, single submitter. Criteria: LabCorp Variant Classification Summary - May 2015. Collection method: clinical testing. Allele origin: germline.
Comment: Variant summary: TTN c.30095-8C>T alters a conserved nucleotide located at a position not widely known to affect splicing. Consensus agreement among computation tools predict no significant impact on normal splicing. However, these predictions have yet to be confirmed by functional studies. The variant allele was found at a frequency of 0.00012 in 172808 control chromosomes, predominantly at a frequency of 0.0017 within the African or African-American subpopulation in the gnomAD database. The observed variant frequency within African or African-American control individuals in the gnomAD database exceeds the estimated maximal expected allele frequency for disease-causing variants in TTN. To our knowledge, no occurrence of c.30095-8C>T in individuals affected with TTN-related conditions and no experimental evidence demonstrating its impact on protein function have been reported. ClinVar contains an entry for this variant (Variation ID: 46893). Based on the evidence outlined above, the variant was classified as benign.

Labcorp Genetics (formerly Invitae), Labcorp
Classification: Likely benign for Dilated cardiomyopathy 1G; Autosomal recessive limb-girdle muscular dystrophy type 2J. Last evaluated: 2026-01-09. Review status: criteria provided, single submitter. Criteria: Invitae Variant Classification Sherloc (09022015). Collection method: clinical testing. Allele origin: germline.

Molecular Diagnostic Laboratory for Inherited Cardiovascular Disease, Montreal Heart Institute
Classification: Likely benign. Last evaluated: 2025-04-09. Review status: criteria provided, single submitter. Criteria: ACMG Guidelines, 2015. Collection method: clinical testing. Allele origin: germline. Affected: no.
Comment: BS1;BP6

CHEO Genetics Diagnostic Laboratory, Children's Hospital of Eastern Ontario
Classification: Benign for Cardiomyopathy. Last evaluated: 2020-12-11. Review status: criteria provided, single submitter. Criteria: ACMG Guidelines, 2015. Collection method: clinical testing. Allele origin: germline.

GeneDx
Classification: Benign. Last evaluated: 2016-04-13. Review status: criteria provided, single submitter. Criteria: GeneDx Variant Classification (06012015). Collection method: clinical testing. Allele origin: germline. Affected: yes.
Comment: This variant is considered likely benign or benign based on one or more of the following criteria: it is a conservative change, it occurs at a poorly conserved position in the protein, it is predicted to be benign by multiple in silico algorithms, and/or has population frequency not consistent with disease.

Eurofins Ntd Llc (ga)
Classification: Uncertain significance. Last evaluated: 2015-12-28. Review status: criteria provided, single submitter. Criteria: EGL Classification Definitions 2015. Collection method: clinical testing. Allele origin: germline. Observed: 1 variant allele, 1 heterozygote.

Laboratory for Molecular Medicine, Mass General Brigham Personalized Medicine
Classification: Uncertain significance. Last evaluated: 2012-01-24. Review status: criteria provided, single submitter. Criteria: LMM Criteria. Collection method: clinical testing. Allele origin: germline. Observed: 1 variant allele.
Comment: Variant classified as Uncertain Significance - Favor Benign. The 30095-8C>T vari ant (TTN) has been identified in 0.1% (4/2944) of African American chromosomes b y the NHLBI Exome Sequencing Project in a broad population. This variant is located in the 3' splice region and computational tools do not predict altered splicing, though this information is not predictiv e enough to rule out pathogenicity. Although this data suggests that the 30095-8 C>T variant may be benign, additional information is needed to fully assess its clinical significance.

PreventionGenetics, part of Exact Sciences
Classification: Likely benign for TTN-related condition. Last evaluated: 2023-09-27. Review status: no assertion criteria provided. Collection method: clinical testing. Allele origin: germline. Not counted in ClinVar's aggregate classification.
Comment: This variant is classified as likely benign based on ACMG/AMP sequence variant interpretation guidelines (Richards et al. 2015 PMID: 25741868, with internal and published modifications).